The following is an entry in ClinVar:

ClinVar aggregate classification (germline): Uncertain significance (1 of 4 stars; one submission).

Submission:

CeGaT Center for Human Genetics Tuebingen
Classification: Uncertain significance. Last evaluated: 2025-11-01. Review status: criteria provided, single submitter. Criteria: CeGaT Center For Human Genetics Tuebingen Variant Classification Criteria Version 2. Collection method: clinical testing. Allele origin: germline. Affected: yes. Observed: 1 variant allele.
Comment: TNXB: PM2

NM_001365276.2(TNXB):c.10917G>C (p.Glu3639Asp)

Genes: TNXB (tenascin XB; minus strand), LOC106780803 (tenascin XB recombination region; plus strand). Cytogenetic location: 6p21.33.
Variant type: single nucleotide variant.
Coding change: c.10917G>C on transcript NM_001365276.2 (MANE Select); coding-DNA position 10917, G replaced by C.
Protein change: p.Glu3639Asp; replaces glutamic acid 3639 with aspartic acid.
Molecular consequence: missense variant.
Genome position (GRCh38, 1-based): chr6:32,045,016, C>G on the plus strand (G>C on the coding strand, the complement: TNXB is on the minus strand). VCF-style: chr6-32045016-C-G. GRCh37 (hg19) VCF-style: chr6-32012793-C-G.
Other names: c.11658G>C, p.Glu3886Asp (NM_001428335.1); c.10911G>C, p.Glu3637Asp (NM_019105.8); c.204G>C, p.Glu68Asp (NM_032470.4); short protein forms E3637D, E3639D, E3886D, E68D.
Identifiers: ClinVar variation 4681810 (VCV004681810.5).